The following is an entry in ClinVar:

ClinVar aggregate classification (germline): Uncertain significance (1 of 4 stars; one submission).

Allele frequency attached by ClinVar (database versions not stated): gnomAD exomes below 0.00001; TOPMed 0.00001.
gnomAD v4.1: 3 of 1,614,202 alleles (0.00019%); highest among the groups gnomAD compares: Admixed American, 0.005%; no homozygotes.

Submission:

Ambry Genetics
Classification: Uncertain significance. Last evaluated: 2022-11-30. Review status: criteria provided, single submitter. Criteria: Ambry Variant Classification Scheme 2023. Collection method: clinical testing. Allele origin: germline.
Comment: The p.F1073L variant (also known as c.3217T>C), located in coding exon 28 of the KIF1B gene, results from a T to C substitution at nucleotide position 3217. The phenylalanine at codon 1073 is replaced by leucine, an amino acid with highly similar properties. This amino acid position is conserved. In addition, this alteration is predicted to be deleterious by in silico analysis. Since supporting evidence is limited at this time, the clinical significance of this alteration remains unclear.

NM_001365951.3(KIF1B):c.3355T>C (p.Phe1119Leu)

Gene: KIF1B (kinesin family member 1B; plus strand). Cytogenetic location: 1p36.22.
Variant type: single nucleotide variant.
Coding change: c.3355T>C on transcript NM_001365951.3 (MANE Select); coding-DNA position 3355, T replaced by C.
Protein change: p.Phe1119Leu; replaces phenylalanine 1119 with leucine.
Molecular consequence: missense variant.
Genome position (GRCh38, 1-based): chr1:10,337,466, T>C. VCF-style: chr1-10337466-T-C. GRCh37 (hg19) VCF-style: chr1-10397524-T-C.
Other names: c.3355T>C, p.Phe1119Leu (NM_001365952.1); c.3217T>C, p.Phe1073Leu (NM_015074.3); short protein forms F1073L, F1119L.
Identifiers: ClinVar variation 2497102 (VCV002497102.2), dbSNP rs1207826798, ClinGen allele CA338340581.